The following is an entry in ClinVar:

ClinVar aggregate classification (germline): Likely pathogenic (1 of 4 stars; one submission).

Conditions:
Complex neurodevelopmental disorder. Identifiers: Orphanet 528084, MedGen C5568766, MONDO:0100038.

Submission:

CeGaT Center for Human Genetics Tuebingen
Classification: Likely pathogenic. Last evaluated: 2016-08-01. Review status: criteria provided, single submitter. Criteria: CeGaT Center For Human Genetics Tuebingen Variant Classification Criteria Version 2. Collection method: clinical testing. Allele origin: germline. Affected: yes. Observed: 1 variant allele.

NM_001040142.2(SCN2A):c.3464_3468del (p.Glu1155fs)

Gene: SCN2A (sodium voltage-gated channel alpha subunit 2; plus strand). Cytogenetic location: 2q24.3.
Variant type: Deletion.
Coding change: c.3464_3468del on transcript NM_001040142.2 (MANE Select); coding-DNA positions 3464 to 3468, 5 bases deleted (AACAG; older notation c.3464_3468delAACAG).
Protein change: p.Glu1155fs; shifts the reading frame from glutamic acid 1155.
Molecular consequence: frameshift variant.
Genome position (GRCh38, 1-based): chr2:165,365,207-165,365,211, AACAG deleted; deleting any 5 consecutive bases within chr2:165,365,205-165,365,211 gives the same sequence; the c. name uses the placement nearest the transcript's 3' end. VCF-style (leftmost placement, unchanged base first): chr2-165365204-GAGAAC-G. GRCh37 (hg19) VCF-style: chr2-166221714-GAGAAC-G.
Other names: c.3464_3468del, p.Glu1155fs (NM_001040143.2, NM_001371246.1, NM_001371247.1 and 1 more transcripts); short protein forms E1155fs.
Identifiers: ClinVar variation 808849 (VCV000808849.44), dbSNP rs1574691534, ClinGen allele CA915942922.